The following is an entry in ClinVar:

ClinVar aggregate classification (germline): Conflicting classifications of pathogenicity. Review status: criteria provided, conflicting classifications (1 of 4 stars). 3 submissions from 3 submitters: Uncertain significance (2); Likely benign (1). Last evaluated 2025-10-25.

Conditions:
Familial thoracic aortic aneurysm and aortic dissection (TAAD). Also called: Thoracic aortic aneurysms and dissections. Identifiers: Orphanet 91387, MedGen C4707243, MONDO:0019625.
Connective tissue disorder. Also called: Connective tissue disease. Identifiers: MedGen C0009782, MONDO:0003900.
Aortic aneurysm, familial thoracic 4 (AAT4). Also called: AORTIC ANEURYSM/AORTIC DISSECTION AND PATENT DUCTUS ARTERIOSUS. Identifiers: MedGen C1851504, MONDO:0007568, OMIM 132900.

gnomAD v4.1: 4 of 1,613,852 alleles (0.00025%); highest among the groups gnomAD compares: Admixed American, 0.0033%; no homozygotes.

Submissions (3):

Labcorp Genetics (formerly Invitae), Labcorp
Classification: Uncertain significance for Aortic aneurysm, familial thoracic 4. Last evaluated: 2025-10-25. Review status: criteria provided, single submitter. Criteria: Invitae Variant Classification Sherloc (09022015). Collection method: clinical testing. Allele origin: germline.
Comment: This sequence change replaces serine, which is neutral and polar, with cysteine, which is neutral and slightly polar, at codon 1540 of the MYH11 protein (p.Ser1540Cys). This variant is not present in population databases (gnomAD no frequency). This variant has not been reported in the literature in individuals affected with MYH11-related conditions. ClinVar contains an entry for this variant (Variation ID: 561305). Invitae Evidence Modeling of protein sequence and biophysical properties (such as structural, functional, and spatial information, amino acid conservation, physicochemical variation, residue mobility, and thermodynamic stability) indicates that this missense variant is not expected to disrupt MYH11 protein function with a negative predictive value of 95%. In summary, the available evidence is currently insufficient to determine the role of this variant in disease. Therefore, it has been classified as a Variant of Uncertain Significance.

Ambry Genetics
Classification: Uncertain significance for Familial thoracic aortic aneurysm and aortic dissection. Last evaluated: 2025-09-04. Review status: criteria provided, single submitter. Criteria: Ambry Variant Classification Scheme 2023. Collection method: clinical testing. Allele origin: germline.
Comment: The p.S1533C variant (also known as c.4598C>G), located in coding exon 32 of the MYH11 gene, results from a C to G substitution at nucleotide position 4598. The serine at codon 1533 is replaced by cysteine, an amino acid with dissimilar properties. This amino acid position is well conserved in available vertebrate species; however, cysteine is the reference amino acid in other vertebrate species. In addition, the in silico prediction for this alteration is inconclusive. Since supporting evidence is limited at this time, the clinical significance of this alteration remains unclear.

Center for Human Genetics, Inc
Classification: Likely benign for Connective tissue disorder. Last evaluated: 2018-06-01. Review status: criteria provided, single submitter. Criteria: ACMG Guidelines, 2015. Collection method: clinical testing. Allele origin: germline. Affected: yes.

NM_002474.3(MYH11):c.4598C>G (p.Ser1533Cys)

Genes: NDE1 (nudE neurodevelopment protein 1; plus strand), MYH11 (myosin heavy chain 11; minus strand). Cytogenetic location: 16p13.11.
Variant type: single nucleotide variant.
Coding change: c.4598C>G on transcript NM_002474.3 (MANE Select); coding-DNA position 4598, C replaced by G.
Protein change: p.Ser1533Cys; replaces serine 1533 with cysteine.
Molecular consequence: missense variant. On other transcripts: intron variant (2).
Genome position (GRCh38, 1-based): chr16:15,721,032, G>C on the plus strand (C>G on the coding strand, the complement: MYH11 is on the minus strand). VCF-style: chr16-15721032-G-C. GRCh37 (hg19) VCF-style: chr16-15814889-G-C.
Other names: c.4619C>G, p.Ser1540Cys (NM_001040113.2, NM_001040114.2); c.4598C>G, p.Ser1533Cys (NM_022844.3); c.948-3159G>C (NM_001143979.2, NM_017668.3); short protein forms S1540C, S1533C.
Identifiers: ClinVar variation 561305 (VCV000561305.13), dbSNP rs748529935, ClinGen allele CA394854600.